The following is an entry in ClinVar:

ClinVar aggregate classification (germline): Uncertain significance (1 of 4 stars; one submission).

Submission:

GeneDx
Classification: Uncertain significance. Last evaluated: 2025-07-16. Review status: criteria provided, single submitter. Criteria: GeneDx Variant Classification Process June 2021. Collection method: clinical testing. Allele origin: germline. Affected: yes.
Comment: Not observed at significant frequency in large population cohorts (gnomAD); In silico analysis suggests that this missense variant does not alter protein structure/function; Has not been previously published as pathogenic or benign to our knowledge

NM_001042750.2(STAG2):c.2504T>G (p.Ile835Ser)

Gene: STAG2 (STAG2 cohesin complex component; plus strand). Cytogenetic location: Xq25.
Variant type: single nucleotide variant.
Coding change: c.2504T>G on transcript NM_001042750.2 (MANE Select); coding-DNA position 2504, T replaced by G.
Protein change: p.Ile835Ser; replaces isoleucine 835 with serine.
Molecular consequence: missense variant.
Genome position (GRCh38, 1-based): chrX:124,071,294, T>G. VCF-style: chrX-124071294-T-G. GRCh37 (hg19) VCF-style: chrX-123205144-T-G.
Other names: c.2504T>G, p.Ile835Ser (NM_001042749.2, NM_001042751.2, NM_001282418.2 and 23 more transcripts); short protein forms I835S.
Identifiers: ClinVar variation 4686516 (VCV004686516.1).